The following is an entry in ClinVar:

NM_000392.5(ABCC2):c.2439+5G>A

Gene: ABCC2 (ATP binding cassette subfamily C member 2; plus strand). Cytogenetic location: 10q24.2.
Variant type: single nucleotide variant.
Coding change: c.2439+5G>A on transcript NM_000392.5 (MANE Select); 5 bases into the intron after coding-DNA position 2439, G replaced by A.
Molecular consequence: intron variant.
Genome position (GRCh38, 1-based): chr10:99,818,962, G>A. VCF-style: chr10-99818962-G-A. GRCh37 (hg19) VCF-style: chr10-101578719-G-A.
Identifiers: ClinVar variation 3764097 (VCV003764097.3).

ClinVar aggregate classification (germline): Conflicting classifications of pathogenicity. Review status: criteria provided, conflicting classifications (1 of 4 stars). 2 submissions from 2 submitters: Likely pathogenic (1); Uncertain significance (1). Last evaluated 2025-05-15.

Conditions:
Dubin-Johnson syndrome (DJS). Also called: HYPERBILIRUBINEMIA, DUBIN-JOHNSON TYPE; Jaundice, Chronic Idiopathic; Hyperbilirubinemia type 2. Identifiers: Orphanet 234, MedGen C0022350, MONDO:0009380, OMIM 237500.

gnomAD v4.1: 2 of 1,527,530 alleles (0.00013%); highest among the groups gnomAD compares: East Asian, 0.0052%; no homozygotes.

Submissions (2):

Women's Health and Genetics/Laboratory Corporation of America, LabCorp
Classification: Uncertain significance. Last evaluated: 2025-05-15. Review status: criteria provided, single submitter. Criteria: LabCorp Variant Classification Summary - May 2015. Collection method: clinical testing. Allele origin: germline.
Comment: Variant summary: ABCC2 c.2439+5G>A alters a non-conserved nucleotide located close to a canonical splice site and therefore could affect mRNA splicing, leading to a significantly altered protein sequence. Several computational tools predict a significant impact on normal splicing: Four predict the variant weakens a 5' donor site. However, these predictions have yet to be confirmed by functional studies. The variant allele was found at a frequency of 8e-06 in 250960 control chromosomes (gnomAD). The available data on variant occurrences in the general population are insufficient to allow any conclusion about variant significance. c.2439+5G>A has been observed in individual(s) affected with ABCC2-related conditions (Liu_2022, Fu_2022). These report(s) do not provide unequivocal conclusions about association of the variant with Dubin-Johnson Syndrome. The following publications have been ascertained in the context of this evaluation (PMID: 36046230, 34050268). To our knowledge, no experimental evidence demonstrating an impact on protein function has been reported. ClinVar contains an entry for this variant (Variation ID: 3764097). Based on the evidence outlined above, the variant was classified as uncertain significance.

Department of Pediatrics, The First Affiliated Hospital of Wenzhou Medical University
Classification: Likely pathogenic for Dubin-Johnson syndrome. Review status: criteria provided, single submitter. Criteria: ACMG Guidelines, 2015. Collection method: research. Allele origin: biparental. Affected: yes.

Literature cited by the submitters: PubMed 34050268 (cited by Women's Health and Genetics/Laboratory Corporation of America, LabCorp and Department of Pediatrics, The First Affiliated Hospital of Wenzhou Medical University); PubMed 36046230 (cited by Women's Health and Genetics/Laboratory Corporation of America, LabCorp).